The following is an entry in ClinVar:

NM_148919.4(PSMB8):c.127G>T (p.Ala43Ser)

Gene: PSMB8 (proteasome 20S subunit beta 8; minus strand). Cytogenetic location: 6p21.32.
Variant type: single nucleotide variant.
Coding change: c.127G>T on transcript NM_148919.4 (MANE Select); coding-DNA position 127, G replaced by T.
Protein change: p.Ala43Ser; replaces alanine 43 with serine.
Molecular consequence: missense variant. On other transcripts: intron variant (1).
Genome position (GRCh38, 1-based): chr6:32,843,870, C>A on the plus strand (G>T on the coding strand, the complement: PSMB8 is on the minus strand). VCF-style: chr6-32843870-C-A. GRCh37 (hg19) VCF-style: chr6-32811647-C-A.
Other names: c.135+409G>T (NM_004159.5); short protein forms A43S.
Identifiers: ClinVar variation 960940 (VCV000960940.10), dbSNP rs780017925, ClinGen allele CA3746498.

ClinVar aggregate classification (germline): Uncertain significance (1 of 4 stars; one submission).

Conditions:
Proteosome-associated autoinflammatory syndrome. Also called: Proteasome-associated autoinflammatory syndrome. Identifiers: Orphanet 324977, MedGen C1850568, MONDO:0009726.

Allele frequency attached by ClinVar (database versions not stated): ExAC 0.00001; gnomAD exomes 0.00001.
gnomAD v4.1: 10 of 1,612,860 alleles (0.00062%); highest among the groups gnomAD compares: Non-Finnish European, 0.00085%; no homozygotes.

Submission:

Labcorp Genetics (formerly Invitae), Labcorp
Classification: Uncertain significance for Proteosome-associated autoinflammatory syndrome. Last evaluated: 2019-09-25. Review status: criteria provided, single submitter. Criteria: Invitae Variant Classification Sherloc (09022015). Collection method: clinical testing. Allele origin: germline.
Comment: In summary, the available evidence is currently insufficient to determine the role of this variant in disease. Therefore, it has been classified as a Variant of Uncertain Significance. Algorithms developed to predict the effect of missense changes on protein structure and function (SIFT, PolyPhen-2, Align-GVGD) all suggest that this variant is likely to be tolerated, but these predictions have not been confirmed by published functional studies and their clinical significance is uncertain. This variant has not been reported in the literature in individuals with PSMB8-related conditions. This variant is present in population databases (rs780017925, ExAC 0.01%). This sequence change replaces alanine with serine at codon 43 of the PSMB8 protein (p.Ala43Ser). The alanine residue is moderately conserved and there is a moderate physicochemical difference between alanine and serine.